The following is an entry in ClinVar:

NM_001378120.1(MBD5):c.2518+4T>C

Gene: MBD5 (methyl-CpG binding domain protein 5; plus strand). Cytogenetic location: 2q23.1.
Variant type: single nucleotide variant.
Coding change: c.2518+4T>C on transcript NM_001378120.1 (MANE Select); 4 bases into the intron after coding-DNA position 2518, T replaced by C.
Molecular consequence: intron variant.
Genome position (GRCh38, 1-based): chr2:148,470,465, T>C. VCF-style: chr2-148470465-T-C. GRCh37 (hg19) VCF-style: chr2-149228034-T-C.
Other names: c.2518+4T>C (NM_018328.5).
Identifiers: ClinVar variation 509568 (VCV000509568.1), dbSNP rs1553518830, ClinGen allele CA348722052.

ClinVar aggregate classification (germline): Likely benign (1 of 4 stars; one submission).

Submission:

GeneDx
Classification: Likely benign. Last evaluated: 2017-05-16. Review status: criteria provided, single submitter. Criteria: GeneDx Variant Classification (06012015). Collection method: clinical testing. Allele origin: germline. Affected: yes.
Comment: This variant is considered likely benign or benign based on one or more of the following criteria: it is a conservative change, it occurs at a poorly conserved position in the protein, it is predicted to be benign by multiple in silico algorithms, and/or has population frequency not consistent with disease.